The following is an entry in ClinVar:

NM_000528.4(MAN2B1):c.2723G>A (p.Trp908Ter)

Genes: MAN2B1 (mannosidase alpha class 2B member 1; minus strand), LOC130063648 (ATAC-STARR-seq lymphoblastoid active region 14063; plus strand). Cytogenetic location: 19p13.13.
Variant type: single nucleotide variant.
Coding change: c.2723G>A on transcript NM_000528.4 (MANE Select); coding-DNA position 2723, G replaced by A.
Protein change: p.Trp908Ter; replaces tryptophan 908 with a stop codon.
Molecular consequence: nonsense.
Genome position (GRCh38, 1-based): chr19:12,647,540, C>T on the plus strand (G>A on the coding strand, the complement: MAN2B1 is on the minus strand). VCF-style: chr19-12647540-C-T. GRCh37 (hg19) VCF-style: chr19-12758354-C-T.
Other names: c.2720G>A, p.Trp907Ter (NM_001173498.2); short protein forms W907*, W908*.
Identifiers: ClinVar variation 983955 (VCV000983955.3), dbSNP rs368224056, ClinGen allele CA9225937.

ClinVar aggregate classification (germline): Likely pathogenic (1 of 4 stars; one submission).

Conditions:
Deficiency of alpha-mannosidase (MANSA). Also called: Mannosidosis, alpha-, types I and II; Alpha-Mannosidosis; LYSOSOMAL ALPHA-D-MANNOSIDASE DEFICIENCY. Identifiers: Orphanet 61, MedGen C0024748, MONDO:0009561, OMIM 248500.

Allele frequency attached by ClinVar (database versions not stated): gnomAD exomes below 0.00001; ExAC 0.00001; ESP Exome Variant Server 0.00008.

Submission:

Myriad Genetics, Inc.
Classification: Likely pathogenic for Deficiency of alpha-mannosidase. Last evaluated: 2019-12-02. Review status: criteria provided, single submitter. Criteria: Myriad Women's Health Autosomal Recessive and X-Linked Classification Criteria (2019). Collection method: clinical testing. Allele origin: unknown.
Comment: NM_000528.3(MAN2B1):c.2723G>A(W908*) is expected to be pathogenic in the context of alpha-mannosidosis. This variant is predicted to lead to an abnormal or absent protein product due to the creation of a premature termination codon in MAN2B1, a gene where loss-of-function variants are known to be pathogenic. Please note: this variant was assessed in the context of healthy population screening.